The following is an entry in ClinVar:

NM_006269.2(RP1):c.2786T>G (p.Leu929Ter)

Gene: RP1 (RP1 axonemal microtubule associated; plus strand). Cytogenetic location: 8q12.1.
Variant type: single nucleotide variant.
Coding change: c.2786T>G on transcript NM_006269.2 (MANE Select); coding-DNA position 2786, T replaced by G.
Protein change: p.Leu929Ter; replaces leucine 929 with a stop codon.
Molecular consequence: nonsense. On other transcripts: intron variant (1).
Genome position (GRCh38, 1-based): chr8:54,626,668, T>G. VCF-style: chr8-54626668-T-G. GRCh37 (hg19) VCF-style: chr8-55539228-T-G.
Other names: c.787+4380T>G (NM_001375654.1); short protein forms L929*.
Identifiers: ClinVar variation 3341286 (VCV003341286.1).

ClinVar aggregate classification (germline): Pathogenic (1 of 4 stars; one submission).

Conditions:
Retinitis pigmentosa 1 (RP1). Identifiers: Orphanet 791, MedGen C0220701, MONDO:0008377, OMIM 180100.

Submission:

Centre for Human Genetics, University of Kinshasa
Classification: Pathogenic for Retinitis pigmentosa 1. Last evaluated: 2024-03-07. Review status: criteria provided, single submitter. Criteria: ACMG Guidelines, 2015. Collection method: research. Allele origin: unknown. Inheritance: Autosomal unknown. Affected: yes. Observed: 1 heterozygote.
Comment: The variants in a gene (RP1) are previously associated with Retinitis pigmentosa 1. However, this variant is a stop-gained variant predicted to result in a premature termination of the protein. This variant has not been previously reported in the literature and is not found in the gnomAD v4.1.0 database nor in ClinVar. Several loss of function variants downstream of Leu929 are present in ClinVar with likely pathogenic or pathogenic classifications for varied retinal phenotypes. Based on the collective evidence and application of the ACMG criteria, the p.Leu929Ter variant is classified as likely pathogenic for RP1-related retinal dystrophies.